The following is an entry in ClinVar:

NM_001371986.1(UNC80):c.4627G>A (p.Val1543Ile)

Gene: UNC80 (unc-80 subunit of NALCN channel complex; plus strand). Cytogenetic location: 2q34.
Variant type: single nucleotide variant.
Coding change: c.4627G>A on transcript NM_001371986.1 (MANE Select); coding-DNA position 4627, G replaced by A.
Protein change: p.Val1543Ile; replaces valine 1543 with isoleucine.
Molecular consequence: missense variant.
Genome position (GRCh38, 1-based): chr2:209,904,810, G>A. VCF-style: chr2-209904810-G-A. GRCh37 (hg19) VCF-style: chr2-210769534-G-A.
Other names: c.4429G>A, p.Val1477Ile (NM_032504.2); c.4414G>A, p.Val1472Ile (NM_182587.4); short protein forms V1472I, V1477I, V1543I.
Identifiers: ClinVar variation 1400820 (VCV001400820.5), dbSNP rs994979037, ClinGen allele CA65038836.
Genomic context (GRCh38, chr2:209,904,810, plus strand): 5'-ATGTTTGTATTCCAGGTGATGATCTTGCTGTGCAATCAGCAGAGTTTCATCTGCACTCAC[G>A]TTGACTACTGCCATCCCCACTGCTACCTGCACCACAGCCGCTCCTGTGCCCGACTGGTCA-3'
Protein context (NP_001358915.1, residues 1533-1553): CNQQSFICTH[Val1543Ile]DYCHPHCYLH

ClinVar aggregate classification (germline): Uncertain significance (1 of 4 stars; one submission).

gnomAD v4.1: 24 of 1,551,840 alleles (0.0015%); highest among the groups gnomAD compares: Middle Eastern, 0.033%; no homozygotes.

Submission:

Labcorp Genetics (formerly Invitae), Labcorp
Classification: Uncertain significance. Last evaluated: 2024-10-24. Review status: criteria provided, single submitter. Criteria: Invitae Variant Classification Sherloc (09022015). Collection method: clinical testing. Allele origin: germline.
Comment: This sequence change replaces valine, which is neutral and non-polar, with isoleucine, which is neutral and non-polar, at codon 1477 of the UNC80 protein (p.Val1477Ile). This variant is present in population databases (no rsID available, gnomAD 0.004%). This variant has not been reported in the literature in individuals affected with UNC80-related conditions. ClinVar contains an entry for this variant (Variation ID: 1400820). Invitae Evidence Modeling of protein sequence and biophysical properties (such as structural, functional, and spatial information, amino acid conservation, physicochemical variation, residue mobility, and thermodynamic stability) indicates that this missense variant is not expected to disrupt UNC80 protein function with a negative predictive value of 80%. In summary, the available evidence is currently insufficient to determine the role of this variant in disease. Therefore, it has been classified as a Variant of Uncertain Significance.